The following is an entry in ClinVar:

ClinVar aggregate classification (germline): Conflicting classifications of pathogenicity. Review status: criteria provided, conflicting classifications (1 of 4 stars). 2 submissions from 2 submitters: Uncertain significance (1); Likely benign (1). Last evaluated 2023-12-06.

Conditions:
Hereditary cancer-predisposing syndrome. Also called: Neoplastic Syndromes, Hereditary; Tumor predisposition; Hereditary Cancer Syndrome; Hereditary neoplastic syndrome. Identifiers: Orphanet 140162, MedGen C0027672, MeSH D009386, MONDO:0015356.
Bloom syndrome (BLM). Also called: Bloom-Torre-Machacek syndrome. Identifiers: Orphanet 125, MedGen C0005859, MONDO:0008876, OMIM 210900.

Allele frequency attached by ClinVar (database versions not stated): gnomAD exomes below 0.00001; TOPMed below 0.00001; ESP Exome Variant Server 0.00008.
gnomAD v4.1: 6 of 1,612,734 alleles (0.00037%); highest among the groups gnomAD compares: Non-Finnish European, 0.00051%; no homozygotes.

Submissions (2):

Ambry Genetics
Classification: Likely benign for Hereditary cancer-predisposing syndrome. Last evaluated: 2023-12-06. Review status: criteria provided, single submitter. Criteria: Ambry Variant Classification Scheme 2023. Collection method: clinical testing. Allele origin: germline.

Labcorp Genetics (formerly Invitae), Labcorp
Classification: Uncertain significance for Bloom syndrome. Last evaluated: 2023-08-31. Review status: criteria provided, single submitter. Criteria: Invitae Variant Classification Sherloc (09022015). Collection method: clinical testing. Allele origin: germline.
Comment: This variant is not present in population databases (gnomAD no frequency). This variant has not been reported in the literature in individuals affected with BLM-related conditions. ClinVar contains an entry for this variant (Variation ID: 1730112). This sequence change replaces proline, which is neutral and non-polar, with alanine, which is neutral and non-polar, at codon 1105 of the BLM protein (p.Pro1105Ala). Advanced modeling of protein sequence and biophysical properties (such as structural, functional, and spatial information, amino acid conservation, physicochemical variation, residue mobility, and thermodynamic stability) performed at Invitae indicates that this missense variant is not expected to disrupt BLM protein function. In summary, the available evidence is currently insufficient to determine the role of this variant in disease. Therefore, it has been classified as a Variant of Uncertain Significance.

NM_000057.4(BLM):c.3313C>G (p.Pro1105Ala)

Gene: BLM (BLM RecQ like helicase; plus strand). Cytogenetic location: 15q26.1.
Variant type: single nucleotide variant.
Coding change: c.3313C>G on transcript NM_000057.4 (MANE Select); coding-DNA position 3313, C replaced by G.
Protein change: p.Pro1105Ala; replaces proline 1105 with alanine.
Molecular consequence: missense variant.
Genome position (GRCh38, 1-based): chr15:90,798,292, C>G. VCF-style: chr15-90798292-C-G. GRCh37 (hg19) VCF-style: chr15-91341522-C-G.
Other names: c.3313C>G, p.Pro1105Ala (NM_001287246.2, NM_001287247.2); c.2188C>G, p.Pro730Ala (NM_001287248.2); short protein forms P730A, P1105A.
Identifiers: ClinVar variation 1730112 (VCV001730112.8), dbSNP rs369142038, ClinGen allele CA274770441.